The following is an entry in ClinVar:

NM_006379.5(SEMA3C):c.1177T>A (p.Phe393Ile)

Gene: SEMA3C (semaphorin 3C; minus strand). Cytogenetic location: 7q21.11.
Variant type: single nucleotide variant.
Coding change: c.1177T>A on transcript NM_006379.5 (MANE Select); coding-DNA position 1177, T replaced by A.
Protein change: p.Phe393Ile; replaces phenylalanine 393 with isoleucine.
Molecular consequence: missense variant.
Genome position (GRCh38, 1-based): chr7:80,789,483, A>T on the plus strand (T>A on the coding strand, the complement: SEMA3C is on the minus strand). VCF-style: chr7-80789483-A-T. GRCh37 (hg19) VCF-style: chr7-80418799-A-T.
Other names: c.1231T>A, p.Phe411Ile (NM_001350120.2); c.1003T>A, p.Phe335Ile (NM_001350121.2); short protein forms F335I, F393I, F411I.
Identifiers: ClinVar variation 3351685 (VCV003351685.1).

ClinVar aggregate classification (germline): Uncertain significance (0 of 4 stars; one submission).

Conditions:
SEMA3C-related disorder. Also called: SEMA3C-related condition.

gnomAD v4.1: 15 of 1,613,702 alleles (0.00093%); highest among the groups gnomAD compares: Middle Eastern, 0.066%; no homozygotes.

Submission:

PreventionGenetics, part of Exact Sciences
Classification: Uncertain significance for SEMA3C-related condition. Last evaluated: 2024-04-13. Review status: no assertion criteria provided. Collection method: clinical testing. Allele origin: germline.
Comment: The SEMA3C c.1231T>A variant is predicted to result in the amino acid substitution p.Phe411Ile. To our knowledge, this variant has not been reported in the literature. This variant is reported in 0.0033% of alleles in individuals of South Asian descent in gnomAD. At this time, the clinical significance of this variant is uncertain due to the absence of conclusive functional and genetic evidence.